The following is an entry in ClinVar:

ClinVar aggregate classification (germline): Benign/Likely benign. Review status: criteria provided, multiple submitters, no conflicts (2 of 4 stars). 8 submissions from 8 submitters: Benign (3); Likely benign (2). 3 of the submissions do not count toward it. Last evaluated 2026-02-01.

Conditions:
PDLIM3-related disorder. Also called: PDLIM3-related condition.
Primary dilated cardiomyopathy (DCM). Also called: Dilated Cardiomyopathy. Identifiers: Orphanet 217604, MedGen C0007193, MeSH D002311, MONDO:0005021, HP:0001644. Inheritance: Various modes of inheritance.
Hypertrophic cardiomyopathy. Also called: HYPERTROPHIC MYOCARDIOPATHY. Identifiers: Orphanet 217569, MedGen C0007194, MeSH D002312, MONDO:0005045, HP:0001639.

Allele frequency attached by ClinVar (database versions not stated): gnomAD 0.00153 and 0.00138; TOPMed 0.00163; ExAC 0.00054; ESP Exome Variant Server 0.00161; 1000 Genomes Project 30x 0.00234; 1000 Genomes Project 0.00240.

Submissions (8):

Labcorp Genetics (formerly Invitae), Labcorp
Classification: Benign for Hypertrophic cardiomyopathy; Primary dilated cardiomyopathy. Last evaluated: 2026-02-01. Review status: criteria provided, single submitter. Criteria: Invitae Variant Classification Sherloc (09022015). Collection method: clinical testing. Allele origin: germline.

Women's Health and Genetics/Laboratory Corporation of America, LabCorp
Classification: Benign. Last evaluated: 2023-10-09. Review status: criteria provided, single submitter. Criteria: LabCorp Variant Classification Summary - May 2015. Collection method: clinical testing. Allele origin: germline.

Ambry Genetics
Classification: Likely benign. Last evaluated: 2022-02-11. Review status: criteria provided, single submitter. Criteria: Ambry Variant Classification Scheme 2023. Collection method: clinical testing. Allele origin: germline.

GeneDx
Classification: Likely benign. Last evaluated: 2021-11-02. Review status: criteria provided, single submitter. Criteria: GeneDx Variant Classification Process June 2021. Collection method: clinical testing. Allele origin: germline. Affected: yes.

Laboratory for Molecular Medicine, Mass General Brigham Personalized Medicine
Classification: Benign. Last evaluated: 2014-11-24. Review status: criteria provided, single submitter. Criteria: LMM Criteria. Collection method: clinical testing. Allele origin: germline. Observed: 2 variant alleles.
Comment: Gly331Gly in exon 8 of PDLIM3: This variant is not expected to have clinical sig nificance because it does not alter an amino acid residue and is not located wit hin the splice consensus sequence. It has been identified in 0.5% (20/4406) of A frican American chromosomes from a broad population by the NHLBI Exome Sequencin g Project (dbSNP rs139493914).

PreventionGenetics, part of Exact Sciences
Classification: Benign for PDLIM3-related condition. Last evaluated: 2020-01-02. Review status: no assertion criteria provided. Collection method: clinical testing. Allele origin: germline. Not counted in ClinVar's aggregate classification.
Comment: This variant is classified as benign based on ACMG/AMP sequence variant interpretation guidelines (Richards et al. 2015 PMID: 25741868, with internal and published modifications).

Clinical Genetics DNA and cytogenetics Diagnostics Lab, Erasmus MC, Erasmus Medical Center
Classification: Likely benign. Review status: no assertion criteria provided. Collection method: clinical testing. Allele origin: germline. Affected: yes. Study: VKGL Data-share Consensus. Not counted in ClinVar's aggregate classification.

Genome Diagnostics Laboratory, University Medical Center Utrecht
Classification: Likely benign. Review status: no assertion criteria provided. Collection method: clinical testing. Allele origin: germline. Affected: yes. Study: VKGL Data-share Consensus. Not counted in ClinVar's aggregate classification.

NM_014476.6(PDLIM3):c.993C>A (p.Gly331=)

Gene: PDLIM3 (PDZ and LIM domain 3; minus strand). Cytogenetic location: 4q35.1.
Variant type: single nucleotide variant.
Coding change: c.993C>A on transcript NM_014476.6 (MANE Select); coding-DNA position 993, C replaced by A.
Protein change: p.Gly331=; no amino-acid change (glycine 331 retained).
Molecular consequence: synonymous variant. On other transcripts: non-coding transcript variant (1).
Genome position (GRCh38, 1-based): chr4:185,502,396, G>T on the plus strand (C>A on the coding strand, the complement: PDLIM3 is on the minus strand). VCF-style: chr4-185502396-G-T. GRCh37 (hg19) VCF-style: chr4-186423550-G-T.
Other names: c.849C>A, p.Gly283= (NM_001114107.5); c.729C>A, p.Gly243= (NM_001257962.2); c.492C>A, p.Gly164= (NM_001257963.2).
Identifiers: ClinVar variation 227013 (VCV000227013.35), dbSNP rs139493914, ClinGen allele CA3159618.